The following is an entry in ClinVar:

ClinVar aggregate classification (germline): Uncertain significance (1 of 4 stars; one submission).

Conditions:
Kabuki syndrome 2 (KABUK2). Also called: KDM6A-Related Kabuki Syndrome. Identifiers: Orphanet 2322, MedGen C3275495, MONDO:0010465, OMIM 300867.

Submission:

Labcorp Genetics (formerly Invitae), Labcorp
Classification: Uncertain significance for Kabuki syndrome 2. Last evaluated: 2022-08-15. Review status: criteria provided, single submitter. Criteria: Invitae Variant Classification Sherloc (09022015). Collection method: clinical testing. Allele origin: germline.
Comment: In summary, the available evidence is currently insufficient to determine the role of this variant in disease. Therefore, it has been classified as a Variant of Uncertain Significance. Experimental studies and prediction algorithms are not available or were not evaluated, and the functional significance of this variant is currently unknown. This variant has not been reported in the literature in individuals affected with KDM6A-related conditions. This variant is not present in population databases (gnomAD no frequency). This variant, c.1262_1264del, results in the deletion of 1 amino acid(s) of the KDM6A protein (p.Glu421del), but otherwise preserves the integrity of the reading frame.

NM_001291415.2(KDM6A):c.1259AGG[1] (p.Glu421del)

Gene: KDM6A (lysine demethylase 6A; plus strand). Cytogenetic location: Xp11.3.
Variant type: Microsatellite.
Coding change: c.1259AGG[1] on transcript NM_001291415.2 (MANE Select); one copy of the 3-base unit AGG starting at c.1259; the reference has two copies in a row; one copy, 3 bases deleted.
Protein change: p.Glu421del; deletes glutamic acid 421.
Molecular consequence: inframe deletion. On other transcripts: inframe indel (1), intron variant (4).
Genome position (GRCh38, 1-based): chrX:45,060,089-45,060,091, AGG deleted; deleting any 3 consecutive bases within chrX:45,060,085-45,060,091 gives the same sequence; the position shown is the placement nearest the transcript's 3' end. VCF-style (leftmost placement, unchanged base first): chrX-45060084-TGAG-T. GRCh37 (hg19) VCF-style: chrX-44919329-TGAG-T.
Other names: c.1259_1261AGG[1], p.Glu421del (NM_001410742.1); c.1259AGG[1], p.Glu421del (NM_021140.4); c.1195-520_1195-518del (NM_001291416.2); c.1194+623_1194+625del (NM_001291417.2, NM_001291418.2); c.441+623_441+625del (NM_001291421.2); short protein forms E421del.
Identifiers: ClinVar variation 2119026 (VCV002119026.4), dbSNP rs2522781282, ClinGen allele CA2580617014.
Genomic context (GRCh38, chrX:45,060,084, plus strand): 5'-TCAGTTGTGTAACCTTCCACAAGGTAGTCTACAGAATAAAACTAAATTACTTCCTAGTAT[TGAG>T]GAGGCGTGGAGCCTACCAATTCCCGCAGAGCTTACCTCCAGGCAGGGTGCCATGAACACA-3'